The following is an entry in ClinVar:

NM_006393.3(NEBL):c.1962T>A (p.Asn654Lys)

Gene: NEBL (nebulette; minus strand). Cytogenetic location: 10p12.31.
Variant type: single nucleotide variant.
Coding change: c.1962T>A on transcript NM_006393.3 (MANE Select); coding-DNA position 1962, T replaced by A.
Protein change: p.Asn654Lys; replaces asparagine 654 with lysine.
Molecular consequence: missense variant. On other transcripts: intron variant (9).
Genome position (GRCh38, 1-based): chr10:20,823,208, A>T on the plus strand (T>A on the coding strand, the complement: NEBL is on the minus strand). VCF-style: chr10-20823208-A-T. GRCh37 (hg19) VCF-style: chr10-21112137-A-T.
Other names: p.N654K:AAT>AAA; c.250-10268T>A (NM_001377326.1, NM_001377327.1, NM_001377328.1); c.358-10268T>A (NM_213569.2, NM_001173484.2, NM_001377322.1); c.301-10268T>A (NM_001377324.1); c.292-10268T>A (NM_001377325.1); c.310-10268T>A (NM_001377323.1); short protein forms N654K.
Identifiers: ClinVar variation 45488 (VCV000045488.22), dbSNP rs4748728, ClinGen allele CA136417.

ClinVar aggregate classification (germline): Benign/Likely benign. Review status: criteria provided, multiple submitters, no conflicts (2 of 4 stars). 7 submissions from 7 submitters: Benign (5); Likely benign (1). 1 of the submissions does not count toward it. Last evaluated 2026-02-03.

Conditions:
NEBL-related disorder. Also called: NEBL-related condition.
Primary dilated cardiomyopathy (DCM). Also called: Dilated Cardiomyopathy. Identifiers: Orphanet 217604, MedGen C0007193, MeSH D002311, MONDO:0005021, HP:0001644. Inheritance: Various modes of inheritance.

Allele frequency attached by ClinVar (database versions not stated): gnomAD exomes 0.03349 and 0.05648; ExAC 0.06059; ESP Exome Variant Server 0.08004; TOPMed 0.08870; 1000 Genomes Project 0.12460; 1000 Genomes Project 30x 0.12477.
gnomAD v4.1: 61,131 of 1,596,352 alleles (3.8%); highest among the groups gnomAD compares: African/African-American, 20%; 3,014 homozygotes.

Submissions (7):

Labcorp Genetics (formerly Invitae), Labcorp
Classification: Benign for Primary dilated cardiomyopathy. Last evaluated: 2026-02-03. Review status: criteria provided, single submitter. Criteria: Invitae Variant Classification Sherloc (09022015). Collection method: clinical testing. Allele origin: germline.

Women's Health and Genetics/Laboratory Corporation of America, LabCorp
Classification: Likely benign. Last evaluated: 2023-04-10. Review status: criteria provided, single submitter. Criteria: LabCorp Variant Classification Summary - May 2015. Collection method: clinical testing. Allele origin: germline.

Ambry Genetics
Classification: Benign. Last evaluated: 2019-02-07. Review status: criteria provided, single submitter. Criteria: Ambry Variant Classification Scheme 2023. Collection method: clinical testing. Allele origin: germline.

GeneDx
Classification: Benign. Last evaluated: 2016-12-19. Review status: criteria provided, single submitter. Criteria: GeneDx Variant Classification (06012015). Collection method: clinical testing. Allele origin: germline. Affected: yes.
Comment: This variant is considered likely benign or benign based on one or more of the following criteria: it is a conservative change, it occurs at a poorly conserved position in the protein, it is predicted to be benign by multiple in silico algorithms, and/or has population frequency not consistent with disease.

Laboratory for Molecular Medicine, Mass General Brigham Personalized Medicine
Classification: Benign. Last evaluated: 2012-03-19. Review status: criteria provided, single submitter. Criteria: LMM Criteria. Collection method: clinical testing. Allele origin: germline. Observed: 161 variant alleles.
Comment: p.Asn654Lys in Exon 19 of NEBL: This variant is not expected to have clinical si gnificance because it has been identified in 19.0% (709/3738) of African America n chromosomes from a broad population by the NHLBI Exome Sequencing Project (dbSNP rs4748728).

Breakthrough Genomics
Classification: Benign. Review status: criteria provided, single submitter. Criteria: ACMG Guidelines, 2015. Collection method: not provided. Allele origin: germline. Inheritance: Unknown mechanism. Affected: yes.

PreventionGenetics, part of Exact Sciences
Classification: Benign for NEBL-related condition. Last evaluated: 2019-05-20. Review status: no assertion criteria provided. Collection method: clinical testing. Allele origin: germline. Not counted in ClinVar's aggregate classification.
Comment: This variant is classified as benign based on ACMG/AMP sequence variant interpretation guidelines (Richards et al. 2015 PMID: 25741868, with internal and published modifications).